The following is an entry in ClinVar:

NM_003824.4(FADD):c.139T>A (p.Ser47Thr)

Gene: FADD (Fas associated via death domain; plus strand). Cytogenetic location: 11q13.3.
Variant type: single nucleotide variant.
Coding change: c.139T>A on transcript NM_003824.4 (MANE Select); coding-DNA position 139, T replaced by A.
Protein change: p.Ser47Thr; replaces serine 47 with threonine.
Molecular consequence: missense variant.
Genome position (GRCh38, 1-based): chr11:70,203,598, T>A. VCF-style: chr11-70203598-T-A. GRCh37 (hg19) VCF-style: chr11-70049704-T-A.
Other names: short protein forms S47T.
Identifiers: ClinVar variation 1968624 (VCV001968624.5), dbSNP rs2049438306, ClinGen allele CA381665192.

ClinVar aggregate classification (germline): Uncertain significance (1 of 4 stars; one submission).

Conditions:
FADD-related immunodeficiency. Also called: Infections, recurrent, with encephalopathy, hepatic dysfunction, and cardiovascular malformations; FADD DEFICIENCY. Identifiers: Orphanet 306550, MedGen C3151062, MONDO:0013408, OMIM 613759.

Allele frequency attached by ClinVar (database versions not stated): gnomAD exomes below 0.00001.
gnomAD v4.1: 2 of 1,610,824 alleles (0.00012%); highest among the groups gnomAD compares: Non-Finnish European, 0.00017%; no homozygotes.

Submission:

Labcorp Genetics (formerly Invitae), Labcorp
Classification: Uncertain significance for FADD-related immunodeficiency. Last evaluated: 2022-05-11. Review status: criteria provided, single submitter. Criteria: Invitae Variant Classification Sherloc (09022015). Collection method: clinical testing. Allele origin: germline.
Comment: In summary, the available evidence is currently insufficient to determine the role of this variant in disease. Therefore, it has been classified as a Variant of Uncertain Significance. This sequence change replaces serine, which is neutral and polar, with threonine, which is neutral and polar, at codon 47 of the FADD protein (p.Ser47Thr). This variant is not present in population databases (gnomAD no frequency). This variant has not been reported in the literature in individuals affected with FADD-related conditions. Algorithms developed to predict the effect of missense changes on protein structure and function output the following: SIFT: "Tolerated"; PolyPhen-2: "Benign"; Align-GVGD: "Class C0". The threonine amino acid residue is found in multiple mammalian species, which suggests that this missense change does not adversely affect protein function.